The following is an entry in ClinVar:

ClinVar aggregate classification (germline): Conflicting classifications of pathogenicity. Review status: criteria provided, conflicting classifications (1 of 4 stars). 2 submissions from 2 submitters: Likely pathogenic (1); Uncertain significance (1). Last evaluated 2026-04-27.

Conditions:
Hereditary cancer-predisposing syndrome. Also called: Hereditary Cancer Syndrome; Tumor predisposition; Hereditary neoplastic syndrome; Neoplastic Syndromes, Hereditary. Identifiers: Orphanet 140162, MedGen C0027672, MeSH D009386, MONDO:0015356.

Submissions (2):

Ambry Genetics
Classification: Uncertain significance for Hereditary cancer-predisposing syndrome. Last evaluated: 2026-04-27. Review status: criteria provided, single submitter. Criteria: Ambry Variant Classification Scheme 2023. Collection method: clinical testing. Allele origin: germline.
Comment: The c.3276-2A>G intronic variant results from an A to G substitution two nucleotides upstream from coding exon 27 in the POLE gene. This nucleotide position is highly conserved in available vertebrate species. In silico splice site analysis predicts that this alteration will weaken the native splice acceptor site and may result in the creation or strengthening of a novel splice acceptor site. Variants that disrupt the canonical splice site are expected to cause aberrant splicing, resulting in an abnormal protein or a transcript that is subject to nonsense-mediated mRNA decay. Although biallelic loss of function of POLE has been associated with autosomal recessive POLE deficiency, haploinsufficiency of POLE has not been established as a mechanism of disease for POLE-related polymerase proofreading-associated polyposis (PPAP) and POLE-related CMMRD-like syndrome. Based on the supporting evidence, this variant is expected to be causative of POLE deficiency when present along with a second pathogenic variant on the other allele; however, its clinical significance for PPAP and POLE-related CMMRD-like syndrome is unclear.

Labcorp Genetics (formerly Invitae), Labcorp
Classification: Likely pathogenic. Last evaluated: 2024-06-21. Review status: criteria provided, single submitter. Criteria: Invitae Variant Classification Sherloc (09022015). Collection method: clinical testing. Allele origin: germline.
Comment: This sequence change affects an acceptor splice site in intron 26 of the POLE gene. It is expected to disrupt RNA splicing. Variants that disrupt the donor or acceptor splice site typically lead to a loss of protein function (PMID: 16199547), and loss-of-function variants in POLE are known to be pathogenic (PMID: 23230001, 25948378, 30503519). This variant is not present in population databases (gnomAD no frequency). This variant has not been reported in the literature in individuals affected with POLE-related conditions. ClinVar contains an entry for this variant (Variation ID: 405764). Algorithms developed to predict the effect of sequence changes on RNA splicing suggest that this variant may disrupt the consensus splice site. In summary, the currently available evidence indicates that the variant is pathogenic, but additional data are needed to prove that conclusively. Therefore, this variant has been classified as Likely Pathogenic.

Literature cited by the submitters: PubMed 16199547 (cited by Labcorp Genetics (formerly Invitae), Labcorp); PubMed 23230001 (cited by Labcorp Genetics (formerly Invitae), Labcorp); PubMed 25948378 (cited by Labcorp Genetics (formerly Invitae), Labcorp); PubMed 30503519 (cited by Labcorp Genetics (formerly Invitae), Labcorp).

NM_006231.4(POLE):c.3276-2A>G

Gene: POLE (DNA polymerase epsilon, catalytic subunit; minus strand). Cytogenetic location: 12q24.33.
Variant type: single nucleotide variant.
Coding change: c.3276-2A>G on transcript NM_006231.4 (MANE Select); the canonical splice acceptor site of the intron before coding-DNA position 3276, A replaced by G.
Molecular consequence: splice acceptor variant.
Genome position (GRCh38, 1-based): chr12:132,657,972, T>C on the plus strand (A>G on the coding strand, the complement: POLE is on the minus strand). VCF-style: chr12-132657972-T-C. GRCh37 (hg19) VCF-style: chr12-133234558-T-C.
Other names: c.3276-2A>G (NM_006231.2).
Identifiers: ClinVar variation 405764 (VCV000405764.10), dbSNP rs1060500838, ClinGen allele CA16613876.